The following is an entry in ClinVar:

ClinVar aggregate classification (germline): Uncertain significance (1 of 4 stars; one submission).

Submission:

Labcorp Genetics (formerly Invitae), Labcorp
Classification: Uncertain significance. Last evaluated: 2023-01-13. Review status: criteria provided, single submitter. Criteria: Invitae Variant Classification Sherloc (09022015). Collection method: clinical testing. Allele origin: germline.
Comment: Advanced modeling of protein sequence and biophysical properties (such as structural, functional, and spatial information, amino acid conservation, physicochemical variation, residue mobility, and thermodynamic stability) has been performed at Invitae for this missense variant, however the output from this modeling did not meet the statistical confidence thresholds required to predict the impact of this variant on PLCB4 protein function. This variant has not been reported in the literature in individuals affected with PLCB4-related conditions. This variant is not present in population databases (gnomAD no frequency). This sequence change replaces serine, which is neutral and polar, with tyrosine, which is neutral and polar, at codon 407 of the PLCB4 protein (p.Ser407Tyr). In summary, the available evidence is currently insufficient to determine the role of this variant in disease. Therefore, it has been classified as a Variant of Uncertain Significance.

NM_001377142.1(PLCB4):c.1220C>A (p.Ser407Tyr)

Gene: PLCB4 (phospholipase C beta 4; plus strand). Cytogenetic location: 20p12.2.
Variant type: single nucleotide variant.
Coding change: c.1220C>A on transcript NM_001377142.1 (MANE Select); coding-DNA position 1220, C replaced by A.
Protein change: p.Ser407Tyr; replaces serine 407 with tyrosine.
Molecular consequence: missense variant.
Genome position (GRCh38, 1-based): chr20:9,389,940, C>A. VCF-style: chr20-9389940-C-A. GRCh37 (hg19) VCF-style: chr20-9370587-C-A.
Other names: c.1220C>A, p.Ser407Tyr (NM_000933.4, NM_001172646.2, NM_001377134.2 and 4 more transcripts); short protein forms S407Y.
Identifiers: ClinVar variation 2828288 (VCV002828288.3), dbSNP rs2515546195, ClinGen allele CA408219256.